The following is an entry in ClinVar:

NM_001077418.3(TMEM231):c.45C>T (p.Tyr15=)

Gene: TMEM231 (transmembrane protein 231; minus strand). Cytogenetic location: 16q23.1.
Variant type: single nucleotide variant.
Coding change: c.45C>T on transcript NM_001077418.3 (MANE Select); coding-DNA position 45, C replaced by T.
Protein change: p.Tyr15=; no amino-acid change (tyrosine 15 retained).
Molecular consequence: synonymous variant. On other transcripts: missense variant (1), non-coding transcript variant (1).
Genome position (GRCh38, 1-based): chr16:75,556,165, G>A on the plus strand (C>T on the coding strand, the complement: TMEM231 is on the minus strand). VCF-style: chr16-75556165-G-A. GRCh37 (hg19) VCF-style: chr16-75590063-G-A.
Other names: c.107C>T, p.Thr36Ile (NM_001077416.2); c.35C>T (NM_001077416.1); short protein forms T36I.
Identifiers: ClinVar variation 1026754 (VCV001026754.31), dbSNP rs375077045, ClinGen allele CA8176311.

ClinVar aggregate classification (germline): Uncertain significance. Review status: criteria provided, multiple submitters, no conflicts (2 of 4 stars). 4 submissions from 4 submitters: Uncertain significance (4). Last evaluated 2025-08-07.

Conditions:
Inborn genetic diseases. Identifiers: MedGen C0950123, MeSH D030342.
Joubert syndrome 20 (JBTS20). Identifiers: Orphanet 475, MedGen C3554235, MONDO:0013994, OMIM 614970.
Meckel syndrome, type 11 (MKS11). Identifiers: Orphanet 564, MedGen C3809352, MONDO:0014164, OMIM 615397.

Allele frequency attached by ClinVar (database versions not stated): gnomAD exomes 0.00008; gnomAD 0.00009; TOPMed 0.00015; ESP Exome Variant Server 0.00026; ExAC 0.00047.
gnomAD v4.1: 113 of 1,546,642 alleles (0.0073%); highest among the groups gnomAD compares: Admixed American, 0.0097%; no homozygotes.

Submissions (4):

Ambry Genetics
Classification: Uncertain significance for Inborn genetic diseases. Last evaluated: 2025-08-07. Review status: criteria provided, single submitter. Criteria: Ambry Variant Classification Scheme 2023. Collection method: clinical testing. Allele origin: germline.

CeGaT Center for Human Genetics Tuebingen
Classification: Uncertain significance. Last evaluated: 2024-03-01. Review status: criteria provided, single submitter. Criteria: CeGaT Center For Human Genetics Tuebingen Variant Classification Criteria Version 2. Collection method: clinical testing. Allele origin: germline. Affected: yes. Observed: 1 variant allele.

Labcorp Genetics (formerly Invitae), Labcorp
Classification: Uncertain significance for Joubert syndrome 20; Meckel syndrome, type 11. Last evaluated: 2024-01-08. Review status: criteria provided, single submitter. Criteria: Invitae Variant Classification Sherloc (09022015). Collection method: clinical testing. Allele origin: germline.
Comment: This sequence change replaces threonine, which is neutral and polar, with isoleucine, which is neutral and non-polar, at codon 36 of the TMEM231 protein (p.Thr36Ile). The frequency data for this variant in the population databases is considered unreliable, as metrics indicate poor data quality at this position in the gnomAD database. This variant has not been reported in the literature in individuals affected with TMEM231-related conditions. ClinVar contains an entry for this variant (Variation ID: 1026754). Experimental studies and prediction algorithms are not available or were not evaluated, and the functional significance of this variant is currently unknown. In summary, the available evidence is currently insufficient to determine the role of this variant in disease. Therefore, it has been classified as a Variant of Uncertain Significance.

Blueprint Genetics
Classification: Uncertain significance. Last evaluated: 2022-10-06. Review status: criteria provided, single submitter. Criteria: ACMG Guidelines, 2015. Collection method: clinical testing. Allele origin: germline.